The following is an entry in ClinVar:

ClinVar aggregate classification (germline): Likely benign. Review status: criteria provided, multiple submitters, no conflicts (2 of 4 stars). 3 submissions from 3 submitters: Likely benign (3). Last evaluated 2026-04-07.

Conditions:
PLEC-related disorder. Also called: PLEC-related disorders; PLEC-related condition.
Epidermolysis bullosa simplex 5C, with pyloric atresia (EBS5C). Also called: PLEC-Related Epidermolysis Bullosa with Pyloric Atresia; Epidermolysis bullosa simplex with pyloric atresia; PLEC1-Related Epidermolysis Bullosa with Pyloric Atresia. Identifiers: Orphanet 158684, MedGen C2677349, MONDO:0012807, OMIM 612138.
Epidermolysis bullosa simplex with nail dystrophy (EBS5D). Identifiers: MedGen C4225309, MONDO:0014661, OMIM 616487.
Autosomal recessive limb-girdle muscular dystrophy type 2Q (LGMDR17). Also called: MUSCULAR DYSTROPHY, LIMB-GIRDLE, AUTOSOMAL RECESSIVE 17. Identifiers: Orphanet 254361, MedGen C3150989, MONDO:0013390, OMIM 613723.
Epidermolysis bullosa simplex 5B, with muscular dystrophy (EBS5B). Also called: EPIDERMOLYSIS BULLOSA SIMPLEX AND LIMB-GIRDLE MUSCULAR DYSTROPHY; Epidermolysis bullosa simplex with muscular dystrophy. Identifiers: Orphanet 257, MedGen C2931072, MONDO:0009181, OMIM 226670.
Epidermolysis bullosa simplex, Ogna type (EBS5A). Also called: Pidermolysis bullosa simplex 5A, Ogna type; EPIDERMOLYSIS BULLOSA SIMPLEX 5A, OGNA TYPE. Identifiers: Orphanet 79401, MedGen C0432317, MONDO:0007555, OMIM 131950.

Allele frequency attached by ClinVar (database versions not stated): gnomAD 0.00001 and 0.00003; gnomAD exomes 0.00001 and 0.00003; TOPMed 0.00001; ExAC 0.00003; 1000 Genomes Project 0.00020; 1000 Genomes Project 30x 0.00031.
gnomAD v4.1: 33 of 1,611,496 alleles (0.002%); highest among the groups gnomAD compares: East Asian, 0.022%; no homozygotes.

Submissions (3):

PreventionGenetics, part of Exact Sciences
Classification: Likely benign for PLEC-related condition. Last evaluated: 2026-04-07. Review status: criteria provided, single submitter. Criteria: ACMG Guidelines, 2015. Collection method: clinical testing. Allele origin: germline.
Comment: This variant is classified as likely benign based on ACMG/AMP sequence variant interpretation guidelines (Richards et al. 2015 PMID: 25741868, with internal and published modifications).

Labcorp Genetics (formerly Invitae), Labcorp
Classification: Likely benign for Autosomal recessive limb-girdle muscular dystrophy type 2Q; Epidermolysis bullosa simplex, Ogna type; Epidermolysis bullosa simplex with nail dystrophy; Epidermolysis bullosa simplex 5C, with pyloric atresia; Epidermolysis bullosa simplex 5B, with muscular dystrophy. Last evaluated: 2025-09-21. Review status: criteria provided, single submitter. Criteria: Invitae Variant Classification Sherloc (09022015). Collection method: clinical testing. Allele origin: germline.

Blueprint Genetics
Classification: Likely benign. Last evaluated: 2024-11-18. Review status: criteria provided, single submitter. Criteria: ACMG Guidelines, 2015. Collection method: clinical testing. Allele origin: germline.

NM_201384.3(PLEC):c.903C>T (p.Ala301=)

Gene: PLEC (plectin; minus strand). Cytogenetic location: 8q24.3.
Variant type: single nucleotide variant.
Coding change: c.903C>T on transcript NM_201384.3 (MANE Select); coding-DNA position 903, C replaced by T.
Protein change: p.Ala301=; no amino-acid change (alanine 301 retained).
Molecular consequence: synonymous variant.
Genome position (GRCh38, 1-based): chr8:143,934,852, G>A on the plus strand (C>T on the coding strand, the complement: PLEC is on the minus strand). VCF-style: chr8-143934852-G-A. GRCh37 (hg19) VCF-style: chr8-145009020-G-A.
Other names: c.984C>T, p.Ala328= (NM_000445.5); c.861C>T, p.Ala287= (NM_201378.4); c.837C>T, p.Ala279= (NM_201379.3); c.1314C>T, p.Ala438= (NM_201380.4); c.807C>T, p.Ala269= (NM_201381.3); c.903C>T, p.Ala301= (NM_201382.4); c.915C>T, p.Ala305= (NM_201383.3); c.984C>T (NM_000445.4).
Identifiers: ClinVar variation 1079557 (VCV001079557.9), dbSNP rs367623506, ClinGen allele CA4928262.
Genomic context (GRCh38, chr8:143,934,852, plus strand): 5'-CCCCCACGGCAGGCCCACCTCAATCTCCTCGAAGCTGGAGGGGAACCTGCGTTCCTCAAA[G>A]GCGGCCGTGTGGTGTCGCATCCACTGAAGCAGCAGCAGCACCAGCTCCCGGTACTCCTGC-3'
Protein context (NP_958786.1, residues 291-311): LLQWMRHHTA[Ala301=]FEERRFPSSF